The following is an entry in ClinVar:

ClinVar aggregate classification (germline): Uncertain significance. Review status: criteria provided, multiple submitters, no conflicts (2 of 4 stars). 2 submissions from 2 submitters: Uncertain significance (2). Last evaluated 2023-05-16.

Conditions:
Noonan syndrome 5 (NS5). Also called: RAF1-Related Noonan Syndrome. Identifiers: Orphanet 648, MedGen C1969057, MONDO:0012690, OMIM 611553. Disease mechanism: gain of function.
Cardiovascular phenotype. Identifiers: MedGen CN230736.

Allele frequency attached by ClinVar (database versions not stated): gnomAD exomes below 0.00001.
gnomAD v4.1: 2 of 1,614,072 alleles (0.00012%); highest among the groups gnomAD compares: East Asian, 0.0022%; no homozygotes.

Submissions (2):

Institute of Human Genetics, University of Leipzig Medical Center
Classification: Uncertain significance for Noonan syndrome 5. Last evaluated: 2023-05-16. Review status: criteria provided, single submitter. Criteria: ACMG Guidelines, 2015. Collection method: clinical testing. Allele origin: unknown. Inheritance: Autosomal dominant inheritance. Affected: yes.
Comment: Criteria applied: PM2_SUP,PP3

Ambry Genetics
Classification: Uncertain significance for Cardiovascular phenotype. Last evaluated: 2021-11-14. Review status: criteria provided, single submitter. Criteria: Ambry Variant Classification Scheme 2023. Collection method: clinical testing. Allele origin: germline.
Comment: The p.P63L variant (also known as c.188C>T), located in coding exon 1 of the RAF1 gene, results from a C to T substitution at nucleotide position 188. The proline at codon 63 is replaced by leucine, an amino acid with similar properties. This amino acid position is conserved. In addition, this alteration is predicted to be deleterious by in silico analysis. Since supporting evidence is limited at this time, the clinical significance of this alteration remains unclear.

NM_002880.4(RAF1):c.188C>T (p.Pro63Leu)

Gene: RAF1 (Raf-1 proto-oncogene, serine/threonine kinase; minus strand). Cytogenetic location: 3p25.2.
Variant type: single nucleotide variant.
Coding change: c.188C>T on transcript NM_002880.4 (MANE Select); coding-DNA position 188, C replaced by T.
Protein change: p.Pro63Leu; replaces proline 63 with leucine.
Molecular consequence: missense variant. On other transcripts: nonsense (4), non-coding transcript variant (3).
Genome position (GRCh38, 1-based): chr3:12,618,534, G>A on the plus strand (C>T on the coding strand, the complement: RAF1 is on the minus strand). VCF-style: chr3-12618534-G-A. GRCh37 (hg19) VCF-style: chr3-12660033-G-A.
Other names: c.188C>T, p.Pro63Leu (NM_001354689.3, NM_001354690.3, NM_001354693.3); c.58C>T, p.Arg20Ter (NM_001354691.3, NM_001354692.3, NM_001354694.3 and 1 more transcripts); short protein forms P63L, R20*.
Identifiers: ClinVar variation 1782041 (VCV001782041.4), dbSNP rs949944826, ClinGen allele CA69576847.
Genomic context (GRCh38, chr3:12,618,534, plus strand): 5'-CAGATAAATAGCTAAATTTCCTAAGTAGAATGTTCACATACCACTGTTCTTTGCTTGTTC[G>A]GCAAGAAAACACGGATAGTGTTGCTTGTCTTAGAAGGATCTGTGAGTTTGCCATCATCTG-3'
Protein context (NP_002871.1, residues 53-73): KTSNTIRVFL[Pro63Leu]NKQRTVVNVR